The following is an entry in ClinVar:

ClinVar aggregate classification (germline): Benign/Likely benign. Review status: criteria provided, multiple submitters, no conflicts (2 of 4 stars). 5 submissions from 5 submitters: Benign (1); Likely benign (4). Last evaluated 2024-12-27.

Conditions:
Hereditary nonpolyposis colorectal neoplasms. Identifiers: MedGen C0009405, MeSH D003123.
Lynch syndrome 5 (LYNCH5). Also called: Hereditary non-polyposis colorectal cancer, type 5; Colorectal cancer, hereditary nonpolyposis, type 5. Identifiers: Orphanet 144, MedGen C1833477, MONDO:0013710, OMIM 614350. Disease mechanism: loss of function.
Hereditary cancer-predisposing syndrome. Also called: Hereditary Cancer Syndrome; Hereditary neoplastic syndrome; Neoplastic Syndromes, Hereditary; Tumor predisposition. Identifiers: Orphanet 140162, MedGen C0027672, MeSH D009386, MONDO:0015356.

gnomAD v4.1: 2 of 1,614,186 alleles (0.00012%); highest among the groups gnomAD compares: Middle Eastern, 0.016%; no homozygotes.

Submissions (5):

Myriad Genetics, Inc.
Classification: Benign for Lynch syndrome 5. Last evaluated: 2024-12-27. Review status: criteria provided, single submitter. Criteria: Myriad Autosomal Dominant, Autosomal Recessive and X-Linked Classification Criteria (2023). Collection method: clinical testing. Allele origin: unknown.
Comment: This variant is considered benign. This variant is a silent/synonymous amino acid change and it is not expected to impact splicing.

Labcorp Genetics (formerly Invitae), Labcorp
Classification: Likely benign for Hereditary nonpolyposis colorectal neoplasms. Last evaluated: 2024-04-18. Review status: criteria provided, single submitter. Criteria: Invitae Variant Classification Sherloc (09022015). Collection method: clinical testing. Allele origin: germline.

Ambry Genetics
Classification: Likely benign for Hereditary cancer-predisposing syndrome. Last evaluated: 2022-10-27. Review status: criteria provided, single submitter. Criteria: Ambry Variant Classification Scheme 2023. Collection method: clinical testing. Allele origin: germline.

Color Diagnostics, LLC DBA Color Health
Classification: Likely benign for Hereditary cancer-predisposing syndrome. Last evaluated: 2019-08-21. Review status: criteria provided, single submitter. Criteria: ACMG Guidelines, 2015. Collection method: clinical testing. Allele origin: germline.

GeneDx
Classification: Likely benign. Last evaluated: 2016-09-29. Review status: criteria provided, single submitter. Criteria: GeneDx Variant Classification (06012015). Collection method: clinical testing. Allele origin: germline. Affected: yes.
Comment: This variant is considered likely benign or benign based on one or more of the following criteria: it is a conservative change, it occurs at a poorly conserved position in the protein, it is predicted to be benign by multiple in silico algorithms, and/or has population frequency not consistent with disease.

NM_000179.3(MSH6):c.1842C>G (p.Ser614=)

Gene: MSH6 (mutS homolog 6; plus strand). Cytogenetic location: 2p16.3.
Variant type: single nucleotide variant.
Coding change: c.1842C>G on transcript NM_000179.3 (MANE Select); coding-DNA position 1842, C replaced by G.
Protein change: p.Ser614=; no amino-acid change (serine 614 retained).
Molecular consequence: synonymous variant.
Genome position (GRCh38, 1-based): chr2:47,799,825, C>G. VCF-style: chr2-47799825-C-G. GRCh37 (hg19) VCF-style: chr2-48026964-C-G.
Other names: c.1452C>G, p.Ser484= (NM_001281492.2); c.936C>G, p.Ser312= (NM_001281493.2, NM_001281494.2).
Identifiers: ClinVar variation 389728 (VCV000389728.16), dbSNP rs1057523520, ClinGen allele CA16604313.